The following is an entry in ClinVar:

ClinVar aggregate classification (germline): Uncertain significance. Review status: criteria provided, multiple submitters, no conflicts (2 of 4 stars). 2 submissions from 2 submitters: Uncertain significance (2). Last evaluated 2025-11-12.

Allele frequency attached by ClinVar (database versions not stated): gnomAD exomes below 0.00001 and 0.00001; gnomAD 0.00003; TOPMed 0.00004; ExAC 0.00009.
gnomAD v4.1: 6 of 1,492,630 alleles (0.0004%); highest among the groups gnomAD compares: African/African-American, 0.0073%; no homozygotes.

Submissions (2):

Ambry Genetics
Classification: Uncertain significance. Last evaluated: 2025-11-12. Review status: criteria provided, single submitter. Criteria: Ambry Variant Classification Scheme 2023. Collection method: clinical testing. Allele origin: germline.

Labcorp Genetics (formerly Invitae), Labcorp
Classification: Uncertain significance. Last evaluated: 2022-07-19. Review status: criteria provided, single submitter. Criteria: Invitae Variant Classification Sherloc (09022015). Collection method: clinical testing. Allele origin: germline.
Comment: This sequence change replaces cysteine, which is neutral and slightly polar, with glycine, which is neutral and non-polar, at codon 17 of the IMPAD1 protein (p.Cys17Gly). This variant is present in population databases (rs759502337, gnomAD 0.01%). In summary, the available evidence is currently insufficient to determine the role of this variant in disease. Therefore, it has been classified as a Variant of Uncertain Significance. Algorithms developed to predict the effect of missense changes on protein structure and function (SIFT, PolyPhen-2, Align-GVGD) all suggest that this variant is likely to be tolerated. ClinVar contains an entry for this variant (Variation ID: 1681111). This variant has not been reported in the literature in individuals affected with IMPAD1-related conditions.

NM_017813.5(BPNT2):c.49T>G (p.Cys17Gly)

Genes: BPNT2 (3'(2'), 5'-bisphosphate nucleotidase 2; minus strand), LOC130000433 (ATAC-STARR-seq lymphoblastoid silent region 19212; plus strand). Cytogenetic location: 8q12.1.
Variant type: single nucleotide variant.
Coding change: c.49T>G on transcript NM_017813.5 (MANE Select); coding-DNA position 49, T replaced by G.
Protein change: p.Cys17Gly; replaces cysteine 17 with glycine.
Molecular consequence: missense variant.
Genome position (GRCh38, 1-based): chr8:56,993,537, A>C on the plus strand (T>G on the coding strand, the complement: BPNT2 is on the minus strand). VCF-style: chr8-56993537-A-C. GRCh37 (hg19) VCF-style: chr8-57906096-A-C.
Other names: c.49T>G (NM_017813.3); short protein forms C17G.
Identifiers: ClinVar variation 1681111 (VCV001681111.7), dbSNP rs759502337, ClinGen allele CA4756005.